The following is an entry in ClinVar:

ClinVar aggregate classification (germline): Uncertain significance. Review status: criteria provided, multiple submitters, no conflicts (2 of 4 stars). 2 submissions from 2 submitters: Uncertain significance (2). Last evaluated 2024-09-15.

Conditions:
Inborn genetic diseases. Identifiers: MedGen C0950123, MeSH D030342.

Allele frequency attached by ClinVar (database versions not stated): gnomAD exomes below 0.00001.

Submissions (2):

Labcorp Genetics (formerly Invitae), Labcorp
Classification: Uncertain significance. Last evaluated: 2024-09-15. Review status: criteria provided, single submitter. Criteria: Invitae Variant Classification Sherloc (09022015). Collection method: clinical testing. Allele origin: germline.
Comment: This sequence change replaces threonine, which is neutral and polar, with isoleucine, which is neutral and non-polar, at codon 246 of the MBD4 protein (p.Thr246Ile). This variant is not present in population databases (gnomAD no frequency). This variant has not been reported in the literature in individuals affected with MBD4-related conditions. ClinVar contains an entry for this variant (Variation ID: 2548870). An algorithm developed to predict the effect of missense changes on protein structure and function (PolyPhen-2) suggests that this variant is likely to be tolerated. In summary, the available evidence is currently insufficient to determine the role of this variant in disease. Therefore, it has been classified as a Variant of Uncertain Significance.

Ambry Genetics
Classification: Uncertain significance for Inborn genetic diseases. Last evaluated: 2023-05-18. Review status: criteria provided, single submitter. Criteria: Ambry Variant Classification Scheme 2023. Collection method: clinical testing. Allele origin: germline.

NM_001276270.2(MBD4):c.737C>T (p.Thr246Ile)

Gene: MBD4 (methyl-CpG binding domain 4, DNA glycosylase; minus strand). Cytogenetic location: 3q21.3.
Variant type: single nucleotide variant.
Coding change: c.737C>T on transcript NM_001276270.2 (MANE Select); coding-DNA position 737, C replaced by T.
Protein change: p.Thr246Ile; replaces threonine 246 with isoleucine.
Molecular consequence: missense variant. On other transcripts: intron variant (1).
Genome position (GRCh38, 1-based): chr3:129,436,907, G>A on the plus strand (C>T on the coding strand, the complement: MBD4 is on the minus strand). VCF-style: chr3-129436907-G-A. GRCh37 (hg19) VCF-style: chr3-129155750-G-A.
Other names: c.737C>T, p.Thr246Ile (NM_001276271.2, NM_001276272.2, NM_003925.3); c.247+901C>T (NM_001276273.2); short protein forms T246I.
Identifiers: ClinVar variation 2548870 (VCV002548870.5), dbSNP rs2530721204, ClinGen allele CA354467367.